The following is an entry in ClinVar:

ClinVar aggregate classification (germline): Conflicting classifications of pathogenicity. Review status: criteria provided, conflicting classifications (1 of 4 stars). 5 submissions from 5 submitters: Uncertain significance (4); Likely benign (1). Last evaluated 2026-07-28.

Conditions:
ALPK3-related disorder. Also called: ALPK3-related condition.
Cardiovascular phenotype. Identifiers: MedGen CN230736.

Allele frequency attached by ClinVar (database versions not stated): TOPMed 0.00011; gnomAD 0.00015; 1000 Genomes Project 30x 0.00016; 1000 Genomes Project 0.00020.

Submissions (5):

PreventionGenetics, part of Exact Sciences
Classification: Uncertain significance for ALPK3-related condition. Last evaluated: 2026-07-28. Review status: criteria provided, single submitter. Criteria: ACMG Guidelines, 2015. Collection method: clinical testing. Allele origin: germline.
Comment: The ALPK3 c.374C>T variant is predicted to result in the amino acid substitution p.Ala125Val. To our knowledge, this variant has not been reported in the literature. This variant is reported in 0.036% of alleles in individuals of African descent in gnomAD. At this time, the clinical significance of this variant is uncertain due to the absence of conclusive functional and genetic evidence.

Labcorp Genetics (formerly Invitae), Labcorp
Classification: Uncertain significance. Last evaluated: 2025-11-21. Review status: criteria provided, single submitter. Criteria: Invitae Variant Classification Sherloc (09022015). Collection method: clinical testing. Allele origin: germline.
Comment: This sequence change replaces alanine, which is neutral and non-polar, with valine, which is neutral and non-polar, at codon 125 of the ALPK3 protein (p.Ala125Val). The frequency data for this variant in the population databases is considered unreliable, as metrics indicate poor data quality at this position in the gnomAD database. This variant has not been reported in the literature in individuals affected with ALPK3-related conditions. ClinVar contains an entry for this variant (Variation ID: 1195328). An algorithm developed to predict the effect of missense changes on protein structure and function (PolyPhen-2) suggests that this variant is likely to be disruptive. In summary, the available evidence is currently insufficient to determine the role of this variant in disease. Therefore, it has been classified as a Variant of Uncertain Significance.

Ambry Genetics
Classification: Uncertain significance for Cardiovascular phenotype. Last evaluated: 2024-07-14. Review status: criteria provided, single submitter. Criteria: Ambry Variant Classification Scheme 2023. Collection method: clinical testing. Allele origin: germline.
Comment: The p.A125V variant (also known as c.374C>T), located in coding exon 1 of the ALPK3 gene, results from a C to T substitution at nucleotide position 374. The alanine at codon 125 is replaced by valine, an amino acid with similar properties. This amino acid position is poorly conserved in available vertebrate species. In addition, this alteration is predicted to be tolerated by in silico analysis. Since supporting evidence is limited at this time, the clinical significance of this alteration remains unclear.

Blueprint Genetics
Classification: Likely benign. Last evaluated: 2024-05-02. Review status: criteria provided, single submitter. Criteria: ACMG Guidelines, 2015. Collection method: clinical testing. Allele origin: germline.

GeneDx
Classification: Uncertain significance. Last evaluated: 2021-04-19. Review status: criteria provided, single submitter. Criteria: GeneDx Variant Classification Process June 2021. Collection method: clinical testing. Allele origin: germline. Affected: yes.
Comment: In silico analysis supports that this missense variant does not alter protein structure/function; Has not been previously published as pathogenic or benign to our knowledge

NC_000015.10:g.84817220C>T

Gene: ALPK3 (alpha kinase 3; plus strand). Cytogenetic location: 15q25.3.
Variant type: single nucleotide variant.
Genome position: GRCh38 VCF-style: chr15-84817220-C-T. GRCh37 (hg19) VCF-style: chr15-85360451-C-T.
Other names: short protein forms A125V.
Identifiers: ClinVar variation 1195328 (VCV001195328.13), dbSNP rs539539451, ClinGen allele CA273650924.